The following is an entry in ClinVar:

ClinVar aggregate classification (germline): Conflicting classifications of pathogenicity. Review status: criteria provided, conflicting classifications (1 of 4 stars). 5 submissions from 5 submitters: Pathogenic (3); Uncertain significance (1); Likely benign (1). Last evaluated 2026-08-01.

Conditions:
Oculopharyngeal muscular dystrophy 1 (OPMD1). Identifiers: MedGen CN376802, MONDO:0958176, OMIM 164300.
PABPN1-related disorders.

Submissions (5):

CeGaT Center for Human Genetics Tuebingen
Classification: Likely benign. Last evaluated: 2026-08-01. Review status: criteria provided, single submitter. Criteria: CeGaT Center For Human Genetics Tuebingen Variant Classification Criteria Version 2. Collection method: clinical testing. Allele origin: germline. Affected: yes. Observed: 4 variant alleles.
Comment: PABPN1: BS1

Women's Health and Genetics/Laboratory Corporation of America, LabCorp
Classification: Uncertain significance. Last evaluated: 2025-12-02. Review status: criteria provided, single submitter. Criteria: LabCorp Variant Classification Summary - May 2015. Collection method: clinical testing. Allele origin: germline.
Comment: Variant summary: PABPN1 c.21_23dupGGC (p.Ala11dup) results in an in-frame duplication that is predicted to duplicate one amino acid into the encoded protein. The variant allele was found at a frequency of 0.0018 in 1155712 control chromosomes in the gnomAD v4 database, including 3 homozygotes. The observed variant frequency exceeds the estimated maximal expected allele frequency for disease-causing variants in PABPN1. However, the variant is located in a microsatellite region and it is unknown how this may affect the accuracy of this data. c.21_23dupGGC has been reported in the literature in individuals affected with Oculopharyngeal muscular dystrophy (e.g. Robinson_2005) or Rolandic epilepsy exercise-induced dystonia (e.g. Luthy_2019), though the allele did not co-segregate with disease in either study. These reports do not provide unequivocal conclusions about association of the variant with Oculopharyngeal Muscular Dystrophy. To our knowledge, no experimental evidence demonstrating an impact on protein function has been reported. The following publications have been ascertained in the context of this evaluation (PMID: 31257402, 15645184). ClinVar contains an entry for this variant (Variation ID: 1323407). Based on the evidence outlined above, the variant was classified as uncertain significance.

Revvity Omics, Revvity
Classification: Pathogenic for Oculopharyngeal muscular dystrophy 1. Last evaluated: 2025-05-20. Review status: criteria provided, single submitter. Criteria: ACMG Guidelines, 2015. Collection method: clinical testing. Allele origin: germline.

Blueprint Genetics
Classification: Pathogenic for PABPN1-related disorders. Last evaluated: 2024-10-31. Review status: criteria provided, single submitter. Criteria: ACMG Guidelines, 2015. Collection method: clinical testing. Allele origin: de novo. Affected: yes. Observed: 5 variant alleles.

GeneDx
Classification: Pathogenic. Last evaluated: 2024-08-21. Review status: criteria provided, single submitter. Criteria: GeneDx Variant Classification Process June 2021. Collection method: clinical testing. Allele origin: germline. Affected: yes.
Comment: This variant is associated with the following publications: (PMID: 9462747)

Literature cited by the submitters: PubMed 31257402 (cited by Women's Health and Genetics/Laboratory Corporation of America, LabCorp); PubMed 15645184 (cited by Women's Health and Genetics/Laboratory Corporation of America, LabCorp).

NM_004643.4(PABPN1):c.3GGC[8] (p.Ala11_Gly12insAla)

Genes: BCL2L2-PABPN1 (BCL2L2-PABPN1 readthrough; plus strand), PABPN1 (poly(A) binding protein nuclear 1; plus strand). Cytogenetic location: 14q11.2.
Variant type: Microsatellite.
Coding change: c.3GGC[8] on transcript NM_004643.4 (MANE Select); eight copies in a row of the 3-base unit GGC starting at c.3; the reference has seven copies in a row; one copy, 3 bases duplicated.
Protein change: p.Ala11_Gly12insAla.
Molecular consequence: inframe insertion, initiator codon variant. On other transcripts: intron variant (8).
Genome position (GRCh38, 1-based): chr14:23,321,490-23,321,492, GGC duplicated; duplicating any 3 consecutive bases within chr14:23,321,472-23,321,492 gives the same sequence; the position shown is the placement nearest the transcript's 3' end. VCF-style (leftmost placement, unchanged base first): chr14-23321471-T-TGGC. GRCh37 (hg19) VCF-style: chr14-23790680-T-TGGC.
Other names: c.3GGC[8], p.Ala11_Gly12insAla (NM_001360551.3); c.529-709GGC[8] (NM_001387343.1, NM_001387342.1, NM_001387344.1 and 1 more transcripts); c.433-709GGC[8] (NM_001387345.1, NM_001387346.1, NM_001199864.3); c.550-709GGC[8] (NM_001387340.1); c.21_23dupGGC (NM_004643.4, NM_004643.3).
Identifiers: ClinVar variation 1323407 (VCV001323407.17), dbSNP rs193922941, ClinGen allele CA257773637.